The following is an entry in ClinVar:

GRCh38/hg38 16q23.1(chr16:78330637-78461650)x0

Genes: WWOX (WW domain containing oxidoreductase; plus strand), LOC112486209 (Sharpr-MPRA regulatory region 4302; plus strand), LOC132090435 (Neanderthal introgressed variant-containing enhancer experimental_46257; plus strand). Cytogenetic location: 16q23.1.
Variant type: copy number loss.
Change: copy number 0 (both copies lost) of chr16:78,330,637-78,461,650 (131.0 kb, GRCh38 coordinates, 1-based), cytogenetic band 16q23.1.
Identifiers: ClinVar variation 2579203 (VCV002579203.1).

ClinVar aggregate classification (germline): Uncertain significance (1 of 4 stars; one submission).

Conditions:
Developmental and epileptic encephalopathy, 28 (DEE28). Also called: Epileptic encephalopathy, early infantile, 28. Identifiers: Orphanet 442835, MedGen C4015519, MONDO:0014533, OMIM 616211.

Submission:

Broad Center for Mendelian Genomics, Broad Institute of MIT and Harvard
Classification: Uncertain significance for Developmental and epileptic encephalopathy, 28. Last evaluated: 2023-08-24. Review status: criteria provided, single submitter. Criteria: ACMG/ClinGen CNV Guidelines, 2019. Collection method: research. Allele origin: unknown. Inheritance: Autosomal recessive inheritance. Affected: yes.
Comment: Inheritance information is unavailable. The patient phenotype is nonspecific, but is consistent with cases described in the literature and/or published databases with overlapping variants. This exon deletion has also been reported in the literature, in the compound heterozygous state, in one reported individual with epileptic encephalopathy (PMID: 25411445). This variant is a deletion of three exons and is not predicted to alter the protein reading-frame. This deletion is expected to impact the protein. Loss of function of WWOX is an established disease mechanism in autosomal recessive developmental and epileptic encephalopathy. In summary, while there is some suspicion for a pathogenic role, the clinical significance of this variant is uncertain. The ACMG/ClinGen evidence codes and points used in this curation are as follows: 1: 0 points, 2: 0.45 points, 3: 0 points, 4-5: 0.23 points; Total: 0.68 points; Riggs 2020 (PMID: 31690835).

Literature cited by the submitters: PubMed 25411445.